The following is an entry in ClinVar:

NM_201384.3(PLEC):c.6328C>T (p.Gln2110Ter)

Gene: PLEC (plectin; minus strand). Cytogenetic location: 8q24.3.
Variant type: single nucleotide variant.
Coding change: c.6328C>T on transcript NM_201384.3 (MANE Select); coding-DNA position 6328, C replaced by T.
Protein change: p.Gln2110Ter; replaces glutamine 2110 with a stop codon.
Molecular consequence: nonsense.
Genome position (GRCh38, 1-based): chr8:143,923,601, G>A on the plus strand (C>T on the coding strand, the complement: PLEC is on the minus strand). VCF-style: chr8-143923601-G-A. GRCh37 (hg19) VCF-style: chr8-144997769-G-A.
Other names: c.6409C>T, p.Gln2137Ter (NM_000445.5); c.6286C>T, p.Gln2096Ter (NM_201378.4); c.6262C>T, p.Gln2088Ter (NM_201379.3); c.6739C>T, p.Gln2247Ter (NM_201380.4); c.6232C>T, p.Gln2078Ter (NM_201381.3); c.6328C>T, p.Gln2110Ter (NM_201382.4); c.6340C>T, p.Gln2114Ter (NM_201383.3); c.6409C>T (NM_000445.4); short protein forms Q2078*, Q2088*, Q2096*, Q2110*, Q2114*, Q2137*, Q2247*.
Identifiers: ClinVar variation 1013030 (VCV001013030.39), dbSNP rs1823729558, ClinGen allele CA372535494.

ClinVar aggregate classification (germline): Likely pathogenic. Review status: criteria provided, multiple submitters, no conflicts (2 of 4 stars). 2 submissions from 2 submitters: Likely pathogenic (2). Last evaluated 2026-08-10.

Conditions:
PLEC-related disorder. Also called: PLEC-related disorders; PLEC-related condition.

Submissions (2):

PreventionGenetics, part of Exact Sciences
Classification: Likely pathogenic for PLEC-related condition. Last evaluated: 2026-08-10. Review status: criteria provided, single submitter. Criteria: ACMG Guidelines, 2015. Collection method: clinical testing. Allele origin: germline.
Comment: The PLEC c.6409C>T variant is predicted to result in premature protein termination (p.Gln2137*). To our knowledge, this variant has not been reported in the literature or in a large population database (gnomAD), indicating this variant is rare. Nonsense variants in PLEC are expected to be pathogenic. This variant is interpreted as likely pathogenic.

CeGaT Center for Human Genetics Tuebingen
Classification: Likely pathogenic. Last evaluated: 2020-12-01. Review status: criteria provided, single submitter. Criteria: CeGaT Center For Human Genetics Tuebingen Variant Classification Criteria Version 2. Collection method: clinical testing. Allele origin: germline. Affected: yes. Observed: 1 variant allele.